The following is an entry in ClinVar:

NM_000052.7(ATP7A):c.435A>T (p.Glu145Asp)

Gene: ATP7A (ATPase copper transporting alpha; plus strand). Cytogenetic location: Xq21.1.
Variant type: single nucleotide variant.
Coding change: c.435A>T on transcript NM_000052.7 (MANE Select); coding-DNA position 435, A replaced by T.
Protein change: p.Glu145Asp; replaces glutamic acid 145 with aspartic acid.
Molecular consequence: missense variant.
Genome position (GRCh38, 1-based): chrX:77,988,556, A>T. VCF-style: chrX-77988556-A-T. GRCh37 (hg19) VCF-style: chrX-77244052-A-T.
Other names: c.435A>T, p.Glu145Asp (NM_001282224.2); short protein forms E145D.
Identifiers: ClinVar variation 1706371 (VCV001706371.2), dbSNP rs2522290160, ClinGen allele CA413599849.

ClinVar aggregate classification (germline): Uncertain significance (1 of 4 stars; one submission).

Submission:

GeneDx
Classification: Uncertain significance. Last evaluated: 2022-03-01. Review status: criteria provided, single submitter. Criteria: GeneDx Variant Classification Process June 2021. Collection method: clinical testing. Allele origin: germline. Affected: yes.
Comment: Not observed at significant frequency in large population cohorts (gnomAD); In silico analysis supports that this missense variant does not alter protein structure/function; Has not been previously published as pathogenic or benign to our knowledge